The following is an entry in ClinVar:

NM_005502.4(ABCA1):c.1794T>G (p.Asp598Glu)

Gene: ABCA1 (ATP binding cassette subfamily A member 1; minus strand). Cytogenetic location: 9q31.1.
Variant type: single nucleotide variant.
Coding change: c.1794T>G on transcript NM_005502.4 (MANE Select); coding-DNA position 1794, T replaced by G.
Protein change: p.Asp598Glu; replaces aspartic acid 598 with glutamic acid.
Molecular consequence: missense variant.
Genome position (GRCh38, 1-based): chr9:104,831,023, A>C on the plus strand (T>G on the coding strand, the complement: ABCA1 is on the minus strand). VCF-style: chr9-104831023-A-C. GRCh37 (hg19) VCF-style: chr9-107593304-A-C.
Other names: short protein forms D598E.
Identifiers: ClinVar variation 3269514 (VCV003269514.1).

ClinVar aggregate classification (germline): Uncertain significance (1 of 4 stars; one submission).

Conditions:
Cardiovascular phenotype. Identifiers: MedGen CN230736.

gnomAD v4.1: 1 of 1,613,812 alleles (0.000062%); highest among the groups gnomAD compares: South Asian, 0.0011%; no homozygotes.

Submission:

Ambry Genetics
Classification: Uncertain significance for Cardiovascular phenotype. Last evaluated: 2024-06-21. Review status: criteria provided, single submitter. Criteria: Ambry Variant Classification Scheme 2023. Collection method: clinical testing. Allele origin: germline.
Comment: The p.D598E variant (also known as c.1794T>G), located in coding exon 13 of the ABCA1 gene, results from a T to G substitution at nucleotide position 1794. The aspartic acid at codon 598 is replaced by glutamic acid, an amino acid with highly similar properties. This amino acid position is conserved. In addition, this alteration is predicted to be deleterious by in silico analysis. Based on the available evidence, the clinical significance of this variant remains unclear.